The following is an entry in ClinVar:

NM_170606.3(KMT2C):c.1736-2A>G

Gene: KMT2C (lysine methyltransferase 2C; minus strand). Cytogenetic location: 7q36.1.
Variant type: single nucleotide variant.
Coding change: c.1736-2A>G on transcript NM_170606.3 (MANE Select); the canonical splice acceptor site of the intron before coding-DNA position 1736, A replaced by G.
Molecular consequence: splice acceptor variant.
Genome position (GRCh38, 1-based): chr7:152,249,955, T>C on the plus strand (A>G on the coding strand, the complement: KMT2C is on the minus strand). VCF-style: chr7-152249955-T-C. GRCh37 (hg19) VCF-style: chr7-151947040-T-C.
Other names: c.1736-2A>G (NM_170606.2).
Identifiers: ClinVar variation 3777205 (VCV003777205.1).

ClinVar aggregate classification (germline): Uncertain significance (1 of 4 stars; one submission).

Conditions:
Kleefstra syndrome 2 (KLEFS2). Identifiers: MedGen C4540395, MONDO:0054701, OMIM 617768.

Submission:

University of Washington Department of Laboratory Medicine, University of Washington
Classification: Uncertain significance for Kleefstra syndrome 2. Last evaluated: 2023-03-23. Review status: criteria provided, single submitter. Criteria: ACMG Guidelines, 2015. Collection method: clinical testing. Allele origin: de novo. Affected: yes.
Comment: This variant was absent from large population databases, including the Genome Aggregation Database. The c.1736-2A>G variant alters the canonical acceptor splice site in intron 12, which is predicted to result in abnormal gene splicing. While heterozygous loss of function leading to haploinsufficiency of the KMT2C gene is an established mechanism of disease, this change may result in the in frame skipping of exon 13. Exon 13 does not reside in a known key domain of the KMT2C protein and comprises less than 10% of the total protein length (Abou Tayoun 2018). These predictions have not been tested directly. Using ACMG guidelines, this was classified as a variant of uncertain significance for autosomal dominant Kleefstra syndrome 2 (ACMG evidence codes used: PVS1_moderate, PS2_moderate, PM2_supporting). Variant classifications may change as additional relevant data emerges. RNA studies have the potential to clarify the functional consequence of this variant.